The following is an entry in ClinVar:

ClinVar aggregate classification (germline): Uncertain significance. Review status: criteria provided, multiple submitters, no conflicts (2 of 4 stars). 2 submissions from 2 submitters: Uncertain significance (2). Last evaluated 2022-12-17.

Allele frequency attached by ClinVar (database versions not stated): ExAC 0.00001.
gnomAD v4.1: 9 of 1,614,202 alleles (0.00056%); highest among the groups gnomAD compares: Middle Eastern, 0.017%; no homozygotes.

Submissions (2):

Dubai Health Genomic Medicine Center, Dubai Health
Classification: Uncertain significance. Last evaluated: 2022-12-17. Review status: criteria provided, single submitter. Criteria: ACMG Guidelines, 2015. Collection method: clinical testing. Allele origin: germline. Affected: yes.

GeneDx
Classification: Uncertain significance. Last evaluated: 2022-09-21. Review status: criteria provided, single submitter. Criteria: GeneDx Variant Classification Process June 2021. Collection method: clinical testing. Allele origin: germline. Affected: yes.
Comment: Not observed at significant frequency in large population cohorts (gnomAD); In silico analysis supports that this missense variant does not alter protein structure/function; Has not been previously published as pathogenic or benign to our knowledge

NM_004369.4(COL6A3):c.8278C>G (p.Leu2760Val)

Gene: COL6A3 (collagen type VI alpha 3 chain; minus strand). Cytogenetic location: 2q37.3.
Variant type: single nucleotide variant.
Coding change: c.8278C>G on transcript NM_004369.4 (MANE Select); coding-DNA position 8278, C replaced by G.
Protein change: p.Leu2760Val; replaces leucine 2760 with valine.
Molecular consequence: missense variant.
Genome position (GRCh38, 1-based): chr2:237,340,638, G>C on the plus strand (C>G on the coding strand, the complement: COL6A3 is on the minus strand). VCF-style: chr2-237340638-G-C. GRCh37 (hg19) VCF-style: chr2-238249281-G-C.
Other names: c.6457C>G, p.Leu2153Val (NM_057166.5); c.7660C>G, p.Leu2554Val (NM_057167.4); short protein forms L2153V, L2554V, L2760V.
Identifiers: ClinVar variation 1809634 (VCV001809634.2), dbSNP rs777289447, ClinGen allele CA2187584.